The following is an entry in ClinVar:

ClinVar aggregate classification (germline): Pathogenic (1 of 4 stars; one submission).

Submission:

Labcorp Genetics (formerly Invitae), Labcorp
Classification: Pathogenic. Last evaluated: 2021-08-27. Review status: criteria provided, single submitter. Criteria: Invitae Variant Classification Sherloc (09022015). Collection method: clinical testing. Allele origin: germline.
Comment: For these reasons, this variant has been classified as Pathogenic. This variant has not been reported in the literature in individuals affected with CYP11B2-related conditions. This variant is not present in population databases (ExAC no frequency). This sequence change creates a premature translational stop signal (p.Thr185Profs*13) in the CYP11B2 gene. It is expected to result in an absent or disrupted protein product. Loss-of-function variants in CYP11B2 are known to be pathogenic (PMID: 20494601, 22801770, 26936515).

Literature cited by the submitters: PubMed 20494601; PubMed 22801770; PubMed 26936515.

NM_000498.3(CYP11B2):c.553del (p.Thr185fs)

Genes: CYP11B2 (cytochrome P450 family 11 subfamily B member 2; minus strand), LOC106799834 (CYP11B2 recombination region; plus strand). Cytogenetic location: 8q24.3.
Variant type: Deletion.
Coding change: c.553del on transcript NM_000498.3 (MANE Select); coding-DNA position 553, one base deleted (A; older notation c.553delA).
Protein change: p.Thr185fs; shifts the reading frame from threonine 185.
Molecular consequence: frameshift variant.
Genome position (GRCh38, 1-based): chr8:142,915,088, T deleted on the plus strand (A on the coding strand, the reverse complement: CYP11B2 is on the minus strand). VCF-style (leftmost placement, unchanged base first): chr8-142915087-GT-G. GRCh37 (hg19) VCF-style: chr8-143996503-GT-G.
Other names: short protein forms T185fs.
Identifiers: ClinVar variation 1374879 (VCV001374879.6), dbSNP rs2130330708, ClinGen allele CA2573142872.
Genomic context (GRCh38, chr8:142,915,087, plus strand): 5'-CTTCCCGCATGGCCCACACCTTCTATGGTGTAGTGGAAGATGCTGGGCTGGACGTCCAGG[GT>G]CAGGCTCCCCCGGGCGTTCTGCAGCACCTTCTTCTTCAGGGCCTGGGAGAAGTCCCTGGC-3'